The following is an entry in ClinVar:

ClinVar aggregate classification (germline): Uncertain significance. Review status: criteria provided, single submitter (1 of 4 stars). 2 submissions from 2 submitters: Uncertain significance (1). 1 of the submissions does not count toward it. Last evaluated 2025-05-17.

Conditions:
BCL9-related disorder. Also called: BCL9-related condition.

Allele frequency attached by ClinVar (database versions not stated): ESP Exome Variant Server 0.00008; 1000 Genomes Project 30x 0.00062; gnomAD 0.00008; gnomAD exomes 0.00004; TOPMed 0.00010; ExAC 0.00015; 1000 Genomes Project 0.00060.
gnomAD v4.1: 62 of 1,612,340 alleles (0.0038%); highest among the groups gnomAD compares: East Asian, 0.13%; no homozygotes.

Submissions (2):

Ambry Genetics
Classification: Uncertain significance. Last evaluated: 2025-05-17. Review status: criteria provided, single submitter. Criteria: Ambry Variant Classification Scheme 2023. Collection method: clinical testing. Allele origin: germline.

PreventionGenetics, part of Exact Sciences
Classification: Likely benign for BCL9-related condition. Last evaluated: 2023-01-03. Review status: no assertion criteria provided. Collection method: clinical testing. Allele origin: germline. Not counted in ClinVar's aggregate classification.
Comment: This variant is classified as likely benign based on ACMG/AMP sequence variant interpretation guidelines (Richards et al. 2015 PMID: 25741868, with internal and published modifications).

NM_004326.4(BCL9):c.3547C>G (p.Leu1183Val)

Gene: BCL9 (BCL9 transcription coactivator; plus strand). Cytogenetic location: 1q21.2.
Variant type: single nucleotide variant.
Coding change: c.3547C>G on transcript NM_004326.4 (MANE Select); coding-DNA position 3547, C replaced by G.
Protein change: p.Leu1183Val; replaces leucine 1183 with valine.
Molecular consequence: missense variant.
Genome position (GRCh38, 1-based): chr1:147,624,225, C>G. VCF-style: chr1-147624225-C-G. GRCh37 (hg19) VCF-style: chr1-147096026-C-G.
Other names: c.3547C>G (NM_004326.2); short protein forms L1183V.
Identifiers: ClinVar variation 3030170 (VCV003030170.3), dbSNP rs116866277, ClinGen allele CA1065043.
Genomic context (GRCh38, chr1:147,624,225, plus strand): 5'-GGCAGCTTCCCAGGAGGGATGGGTTTCCCAGGAGAAGGCCCCCTTGGCCGCCCCAGCAAC[C>G]TGCCCCAAAGTTCAGCAGATGCAGCACTTTGCAAGCCTGGAGGCCCCGGGGGTCCTGACT-3'
Protein context (NP_004317.2, residues 1173-1193): GEGPLGRPSN[Leu1183Val]PQSSADAALC